The following is an entry in ClinVar:

NM_001164508.2(NEB):c.5714A>G (p.Asp1905Gly)

Gene: NEB (nebulin; minus strand). Cytogenetic location: 2q23.3.
Variant type: single nucleotide variant.
Coding change: c.5714A>G on transcript NM_001164508.2 (MANE Select); coding-DNA position 5714, A replaced by G.
Protein change: p.Asp1905Gly; replaces aspartic acid 1905 with glycine.
Molecular consequence: missense variant.
Genome position (GRCh38, 1-based): chr2:151,663,597, T>C on the plus strand (A>G on the coding strand, the complement: NEB is on the minus strand). VCF-style: chr2-151663597-T-C. GRCh37 (hg19) VCF-style: chr2-152520111-T-C.
Other names: c.5714A>G, p.Asp1905Gly (NM_001164507.2, NM_001271208.2, NM_004543.5); short protein forms D1905G.
Identifiers: ClinVar variation 1695868 (VCV001695868.2), dbSNP rs2154172277, ClinGen allele CA348807526.
Genomic context (GRCh38, chr2:151,663,597, plus strand): 5'-TTTTCACGTACATCACTTTGAATCTGCATCATATTTTTGGCCAATTCAAAGCTCATGGCA[T>C]CAGGAAGCATGTTGTAGGTATGGATCACGTTCCTGTAGTTGGCATTGGTGGCCACTTCCT-3'
Protein context (NP_001157980.2, residues 1895-1915): NVIHTYNMLP[Asp1905Gly]AMSFELAKNM

ClinVar aggregate classification (germline): Uncertain significance (1 of 4 stars; one submission).

gnomAD v4.1: 1 of 1,613,342 alleles (0.000062%); highest among the groups gnomAD compares: Non-Finnish European, 0.000085%; no homozygotes.

Submission:

GeneDx
Classification: Uncertain significance. Last evaluated: 2022-01-11. Review status: criteria provided, single submitter. Criteria: GeneDx Variant Classification Process June 2021. Collection method: clinical testing. Allele origin: germline. Affected: yes.
Comment: Not observed at significant frequency in large population cohorts (gnomAD); In silico analysis supports that this missense variant has a deleterious effect on protein structure/function; Has not been previously published as pathogenic or benign to our knowledge